The following is an entry in ClinVar:

NM_001194998.2(CEP152):c.3325G>C (p.Ala1109Pro)

Gene: CEP152 (centrosomal protein 152; minus strand). Cytogenetic location: 15q21.1.
Variant type: single nucleotide variant.
Coding change: c.3325G>C on transcript NM_001194998.2 (MANE Select); coding-DNA position 3325, G replaced by C.
Protein change: p.Ala1109Pro; replaces alanine 1109 with proline.
Molecular consequence: missense variant.
Genome position (GRCh38, 1-based): chr15:48,755,923, C>G on the plus strand (G>C on the coding strand, the complement: CEP152 is on the minus strand). VCF-style: chr15-48755923-C-G. GRCh37 (hg19) VCF-style: chr15-49048120-C-G.
Other names: c.3325G>C, p.Ala1109Pro (NM_014985.4); short protein forms A1109P.
Identifiers: ClinVar variation 95652 (VCV000095652.36), dbSNP rs115832709, ClinGen allele CA148693.

ClinVar aggregate classification (germline): Benign/Likely benign. Review status: criteria provided, multiple submitters, no conflicts (2 of 4 stars). 8 submissions from 7 submitters: Benign (5); Likely benign (3). Last evaluated 2026-01-21.

Conditions:
Microcephaly 9, primary, autosomal recessive. Identifiers: Orphanet 2512, MedGen C3553886, MONDO:0013923, OMIM 614852.
Seckel syndrome 5 (SCKL5). Identifiers: Orphanet 808, MedGen C3151187, MONDO:0013443, OMIM 613823.

Allele frequency attached by ClinVar (database versions not stated): 1000 Genomes Project 30x 0.00578; gnomAD 0.00373 and 0.00357; 1000 Genomes Project 0.00499; ESP Exome Variant Server 0.00266; TOPMed 0.00393.
gnomAD v4.1: 1,033 of 1,613,766 alleles (0.064%); highest among the groups gnomAD compares: African/African-American, 1.3%; 7 homozygotes.

Submissions (8):

Labcorp Genetics (formerly Invitae), Labcorp
Classification: Benign. Last evaluated: 2026-01-21. Review status: criteria provided, single submitter. Criteria: Invitae Variant Classification Sherloc (09022015). Collection method: clinical testing. Allele origin: germline.

CeGaT Center for Human Genetics Tuebingen
Classification: Likely benign. Last evaluated: 2025-11-01. Review status: criteria provided, single submitter. Criteria: CeGaT Center For Human Genetics Tuebingen Variant Classification Criteria Version 2. Collection method: clinical testing. Allele origin: germline. Affected: yes. Observed: 2 variant alleles.
Comment: CEP152: BP4, BS1

Blueprint Genetics
Classification: Benign. Last evaluated: 2024-11-25. Review status: criteria provided, single submitter. Criteria: ACMG Guidelines, 2015. Collection method: clinical testing. Allele origin: germline.

GeneDx
Classification: Likely benign. Last evaluated: 2021-04-19. Review status: criteria provided, single submitter. Criteria: GeneDx Variant Classification Process June 2021. Collection method: clinical testing. Allele origin: germline. Affected: yes.

Illumina Laboratory Services, Illumina
Classification: Likely benign for Microcephaly 9, primary, autosomal recessive. Last evaluated: 2018-01-13. Review status: criteria provided, single submitter. Criteria: ICSL Variant Classification Criteria 13 December 2019. Collection method: clinical testing. Allele origin: germline.
Comment: This variant was observed in the ICSL laboratory as part of a predisposition screen in an ostensibly healthy population. It had not been previously curated by ICSL or reported in the Human Gene Mutation Database (HGMD: prior to June 1st, 2018), and was therefore a candidate for classification through an automated scoring system. Utilizing variant allele frequency, disease prevalence and penetrance estimates, and inheritance mode, an automated score was calculated to assess if this variant is too frequent to cause the disease. Based on the score and internal cut-off values, a variant classified as likely benign is not then subjected to further curation. The score for this variant resulted in a classification of likely benign for this disease.

Illumina Laboratory Services, Illumina
Classification: Benign for Seckel syndrome 5. Last evaluated: 2018-01-13. Review status: criteria provided, single submitter. Criteria: ICSL Variant Classification Criteria 13 December 2019. Collection method: clinical testing. Allele origin: germline.
Comment: This variant was observed in the ICSL laboratory as part of a predisposition screen in an ostensibly healthy population. It had not been previously curated by ICSL or reported in the Human Gene Mutation Database (HGMD: prior to June 1st, 2018), and was therefore a candidate for classification through an automated scoring system. Utilizing variant allele frequency, disease prevalence and penetrance estimates, and inheritance mode, an automated score was calculated to assess if this variant is too frequent to cause the disease. Based on the score and internal cut-off values, a variant classified as benign is not then subjected to further curation. The score for this variant resulted in a classification of benign for this disease.

Genetic Services Laboratory, University of Chicago
Classification: Benign. Last evaluated: 2017-06-22. Review status: criteria provided, single submitter. Criteria: ACMG Guidelines, 2015. Collection method: clinical testing. Allele origin: germline. Affected: no.

Eurofins Ntd Llc (ga)
Classification: Benign. Last evaluated: 2013-07-08. Review status: criteria provided, single submitter. Criteria: EGL Classification Definitions 2015. Collection method: clinical testing. Allele origin: germline. Observed: 1 variant allele, 1 heterozygote.